The following is an entry in ClinVar:

ClinVar aggregate classification (germline): Uncertain significance. Review status: criteria provided, multiple submitters, no conflicts (2 of 4 stars). 3 submissions from 3 submitters: Uncertain significance (3). Last evaluated 2025-12-10.

Conditions:
MYH2-related disorder. Also called: MYH2-related condition.
Myopathy, proximal, and ophthalmoplegia (CMYO6). Also called: MYOPATHY WITH CONGENITAL JOINT CONTRACTURES, OPHTHALMOPLEGIA, AND RIMMED VACUOLES; INCLUSION BODY MYOPATHY 3, AUTOSOMAL DOMINANT; CONGENITAL MYOPATHY 6 WITH OPHTHALMOPLEGIA. Identifiers: Orphanet 363677, Orphanet 79091, MedGen C1854106, MONDO:0011577, OMIM 605637.

Allele frequency attached by ClinVar (database versions not stated): gnomAD exomes 0.00001 and 0.00002; TOPMed 0.00001; ExAC 0.00002; gnomAD 0.00002.

Submissions (3):

PreventionGenetics, part of Exact Sciences
Classification: Uncertain significance for MYH2-related condition. Last evaluated: 2025-12-10. Review status: criteria provided, single submitter. Criteria: ACMG Guidelines, 2015. Collection method: clinical testing. Allele origin: germline.
Comment: The MYH2 c.2996C>A variant is predicted to result in the amino acid substitution p.Thr999Asn. To our knowledge, this variant has not been reported in the literature. This variant is reported in 0.0046% of alleles in individuals of European (Non-Finnish) descent in gnomAD. At this time, the clinical significance of this variant is uncertain due to the absence of conclusive functional and genetic evidence.

Labcorp Genetics (formerly Invitae), Labcorp
Classification: Uncertain significance for Myopathy, proximal, and ophthalmoplegia. Last evaluated: 2025-11-11. Review status: criteria provided, single submitter. Criteria: Invitae Variant Classification Sherloc (09022015). Collection method: clinical testing. Allele origin: germline.
Comment: This sequence change replaces threonine, which is neutral and polar, with asparagine, which is neutral and polar, at codon 999 of the MYH2 protein (p.Thr999Asn). This variant is present in population databases (rs767951536, gnomAD 0.002%). This variant has not been reported in the literature in individuals affected with MYH2-related conditions. ClinVar contains an entry for this variant (Variation ID: 656701). Invitae Evidence Modeling of protein sequence and biophysical properties (such as structural, functional, and spatial information, amino acid conservation, physicochemical variation, residue mobility, and thermodynamic stability) indicates that this missense variant is not expected to disrupt MYH2 protein function with a negative predictive value of 80%. In summary, the available evidence is currently insufficient to determine the role of this variant in disease. Therefore, it has been classified as a Variant of Uncertain Significance.

CeGaT Center for Human Genetics Tuebingen
Classification: Uncertain significance. Last evaluated: 2022-03-01. Review status: criteria provided, single submitter. Criteria: CeGaT Center For Human Genetics Tuebingen Variant Classification Criteria Version 2. Collection method: clinical testing. Allele origin: germline. Affected: yes. Observed: 2 variant alleles.

NM_017534.6(MYH2):c.2996C>A (p.Thr999Asn)

Genes: MYH2 (myosin heavy chain 2; minus strand), MYHAS (myosin heavy chain gene cluster antisense RNA; plus strand). Cytogenetic location: 17p13.1.
Variant type: single nucleotide variant.
Coding change: c.2996C>A on transcript NM_017534.6 (MANE Select); coding-DNA position 2996, C replaced by A.
Protein change: p.Thr999Asn; replaces threonine 999 with asparagine.
Molecular consequence: missense variant.
Genome position (GRCh38, 1-based): chr17:10,529,685, G>T on the plus strand (C>A on the coding strand, the complement: MYH2 is on the minus strand). VCF-style: chr17-10529685-G-T. GRCh37 (hg19) VCF-style: chr17-10433002-G-T.
Other names: c.2996C>A, p.Thr999Asn (NM_001100112.2); c.2996C>A (NM_017534.5); short protein forms T999N.
Identifiers: ClinVar variation 656701 (VCV000656701.43), dbSNP rs767951536, ClinGen allele CA8391024.
Genomic context (GRCh38, chr17:10,529,685, plus strand): 5'-TCTGCCTGCAGGTCATCCAGGGTCTGCTGGTGGGCCTCCTGGAGAGCCTTCTTCTCCTTG[G>T]TCAGCTTAGCAATGGTTTCATCCAGACCTGCCATCTCTTCTGTGAGGTTTTTCACCTACA-3'
Protein context (NP_060004.3, residues 989-1009): AGLDETIAKL[Thr999Asn]KEKKALQEAH